The following is an entry in ClinVar:

NM_006267.5(RANBP2):c.7372A>C (p.Thr2458Pro)

Gene: RANBP2 (RAN binding protein 2; plus strand). Cytogenetic location: 2q13.
Variant type: single nucleotide variant.
Coding change: c.7372A>C on transcript NM_006267.5 (MANE Select); coding-DNA position 7372, A replaced by C.
Protein change: p.Thr2458Pro; replaces threonine 2458 with proline.
Molecular consequence: missense variant.
Genome position (GRCh38, 1-based): chr2:108,767,911, A>C. VCF-style: chr2-108767911-A-C. GRCh37 (hg19) VCF-style: chr2-109384367-A-C.
Other names: short protein forms T2458P.
Identifiers: ClinVar variation 950758 (VCV000950758.10), dbSNP rs1677226173, ClinGen allele CA348077862.
Genomic context (GRCh38, chr2:108,767,911, plus strand): 5'-GAAGCAAAAACAGCCCAGGAAAAAGATTCTTTGATAACACCTCATGTTTCTCGGTCAAGC[A>C]CTCCCAGAGAGTCACCATGTGGCAAAATTGCTGTAGCTGTATTAGAAGAAACCACAAGAG-3'
Protein context (NP_006258.3, residues 2448-2468): LITPHVSRSS[Thr2458Pro]PRESPCGKIA

ClinVar aggregate classification (germline): Uncertain significance (1 of 4 stars; one submission).

Conditions:
Familial acute necrotizing encephalopathy (IIAE3). Also called: ENCEPHALOPATHY, ACUTE, INFECTION-INDUCED, SUSCEPTIBILITY TO, 3; Susceptibility to Acute Necrotizing Encephalopathy 1. Identifiers: Orphanet 88619, MedGen C2675556, MONDO:0011953, OMIM 608033.

gnomAD v4.1: 2 of 1,611,458 alleles (0.00012%); highest among the groups gnomAD compares: Non-Finnish European, 0.00017%; no homozygotes.

Submission:

Labcorp Genetics (formerly Invitae), Labcorp
Classification: Uncertain significance for Familial acute necrotizing encephalopathy. Last evaluated: 2019-08-27. Review status: criteria provided, single submitter. Criteria: Invitae Variant Classification Sherloc (09022015). Collection method: clinical testing. Allele origin: germline.
Comment: In summary, the available evidence is currently insufficient to determine the role of this variant in disease. Therefore, it has been classified as a Variant of Uncertain Significance. Algorithms developed to predict the effect of missense changes on protein structure and function (SIFT, PolyPhen-2, Align-GVGD) all suggest that this variant is likely to be disruptive, but these predictions have not been confirmed by published functional studies and their clinical significance is uncertain. This variant has not been reported in the literature in individuals with RANBP2-related conditions. This variant is not present in population databases (ExAC no frequency). This sequence change replaces threonine with proline at codon 2458 of the RANBP2 protein (p.Thr2458Pro). The threonine residue is highly conserved and there is a small physicochemical difference between threonine and proline.